The following is an entry in ClinVar:

ClinVar aggregate classification (germline): Uncertain significance (1 of 4 stars; one submission).

Conditions:
Monogenic diabetes. Identifiers: Orphanet 183625, MedGen C3888631, MONDO:0015967.

Allele frequency attached by ClinVar (database versions not stated): gnomAD exomes 0.00001 and 0.00002; ExAC 0.00002; gnomAD 0.00007 and 0.00008; TOPMed 0.00007; ESP Exome Variant Server 0.00008.
gnomAD v4.1: 19 of 1,610,624 alleles (0.0012%); highest among the groups gnomAD compares: African/African-American, 0.024%; no homozygotes.

Submission:

Personalized Diabetes Medicine Program, University of Maryland School of Medicine
Classification: Uncertain significance for Monogenic diabetes. Last evaluated: 2018-01-26. Review status: criteria provided, single submitter. Criteria: ACMG Guidelines, 2015. Collection method: research. Allele origin: unknown. Observed: 2 variant alleles, 2 heterozygotes.
Comment: ACMG criteria: BP4 (9 predictors)=VUS

NM_002711.4(PPP1R3A):c.1040T>C (p.Val347Ala)

Gene: PPP1R3A (protein phosphatase 1 regulatory subunit 3A; minus strand). Cytogenetic location: 7q31.1.
Variant type: single nucleotide variant.
Coding change: c.1040T>C on transcript NM_002711.4 (MANE Select); coding-DNA position 1040, T replaced by C.
Protein change: p.Val347Ala; replaces valine 347 with alanine.
Molecular consequence: missense variant.
Genome position (GRCh38, 1-based): chr7:113,880,052, A>G on the plus strand (T>C on the coding strand, the complement: PPP1R3A is on the minus strand). VCF-style: chr7-113880052-A-G. GRCh37 (hg19) VCF-style: chr7-113520107-A-G.
Other names: short protein forms V347A.
Identifiers: ClinVar variation 917464 (VCV000917464.2), dbSNP rs372606055, ClinGen allele CA4445325.